The following is an entry in ClinVar:

ClinVar aggregate classification (germline): Uncertain significance (1 of 4 stars; one submission).

Conditions:
NIK deficiency. Also called: Primary immunodeficiency with multifaceted aberrant lymphoid immunity. Identifiers: Orphanet 447731, MedGen C5680065, MONDO:0018642.

Allele frequency attached by ClinVar (database versions not stated): gnomAD exomes below 0.00001.
gnomAD v4.1: 1 of 1,613,682 alleles (0.000062%); highest among the groups gnomAD compares: Non-Finnish European, 0.000085%; no homozygotes.

Submission:

Labcorp Genetics (formerly Invitae), Labcorp
Classification: Uncertain significance for NIK deficiency. Last evaluated: 2019-11-08. Review status: criteria provided, single submitter. Criteria: Invitae Variant Classification Sherloc (09022015). Collection method: clinical testing. Allele origin: germline.
Comment: This sequence change replaces proline with alanine at codon 49 of the MAP3K14 protein (p.Pro49Ala). The proline residue is moderately conserved and there is a small physicochemical difference between proline and alanine. This variant is not present in population databases (ExAC no frequency). This variant has not been reported in the literature in individuals with MAP3K14-related disease. Algorithms developed to predict the effect of missense changes on protein structure and function (SIFT, PolyPhen-2, Align-GVGD) all suggest that this variant is likely to be tolerated, but these predictions have not been confirmed by published functional studies and their clinical significance is uncertain. In summary, the available evidence is currently insufficient to determine the role of this variant in disease. Therefore, it has been classified as a Variant of Uncertain Significance.

NM_003954.5(MAP3K14):c.145C>G (p.Pro49Ala)

Gene: MAP3K14 (mitogen-activated protein kinase kinase kinase 14; minus strand). Cytogenetic location: 17q21.31.
Variant type: single nucleotide variant.
Coding change: c.145C>G on transcript NM_003954.5 (MANE Select); coding-DNA position 145, C replaced by G.
Protein change: p.Pro49Ala; replaces proline 49 with alanine.
Molecular consequence: missense variant.
Genome position (GRCh38, 1-based): chr17:45,290,601, G>C on the plus strand (C>G on the coding strand, the complement: MAP3K14 is on the minus strand). VCF-style: chr17-45290601-G-C. GRCh37 (hg19) VCF-style: chr17-43367967-G-C.
Other names: c.145C>G, p.Pro49Ala (LRG_1222t1); short protein forms P49A.
Identifiers: ClinVar variation 652875 (VCV000652875.2), dbSNP rs1598257948, ClinGen allele CA399892192.
Genomic context (GRCh38, chr17:45,290,601, plus strand): 5'-CCTTGGCTGTGCCCTTGGTAATCACGTCATTCAGGATCTCCCACTTTCCGCAGAACACAG[G>C]GCTCTTCTCCACGGCCTCAAGCTTGTAGACGGAGCTCTGTTTCTTCCCCAGTGGCGGCGT-3'
Protein context (NP_003945.2, residues 39-59): VYKLEAVEKS[Pro49Ala]VFCGKWEILN